The following is an entry in ClinVar:

ClinVar aggregate classification (germline): Likely pathogenic (1 of 4 stars; one submission).

Conditions:
Nemaline myopathy 2 (NEM2). Also called: Nemaline myopathy 2, autosomal recessive. Identifiers: MedGen C1850569, MONDO:0009725, OMIM 256030.

Submission:

Labcorp Genetics (formerly Invitae), Labcorp
Classification: Likely pathogenic for Nemaline myopathy 2. Last evaluated: 2022-11-15. Review status: criteria provided, single submitter. Criteria: Invitae Variant Classification Sherloc (09022015). Collection method: clinical testing. Allele origin: germline.
Comment: In summary, the currently available evidence indicates that the variant is pathogenic, but additional data are needed to prove that conclusively. Therefore, this variant has been classified as Likely Pathogenic. Algorithms developed to predict the effect of sequence changes on RNA splicing suggest that this variant may disrupt the consensus splice site. ClinVar contains an entry for this variant (Variation ID: 1487969). This variant has not been reported in the literature in individuals affected with NEB-related conditions. This variant is not present in population databases (gnomAD no frequency). This sequence change affects a donor splice site in intron 177 of the NEB gene. It is expected to disrupt RNA splicing. Variants that disrupt the donor or acceptor splice site typically lead to a loss of protein function (PMID: 16199547), and loss-of-function variants in NEB are known to be pathogenic (PMID: 25205138).

Literature cited by the submitters: PubMed 16199547; PubMed 25205138.

NM_001164508.2(NEB):c.24765+2T>A

Genes: NEB (nebulin; minus strand), RIF1 (replication timing regulatory factor 1; plus strand). Cytogenetic location: 2q23.3.
Variant type: single nucleotide variant.
Coding change: c.24765+2T>A on transcript NM_001164508.2 (MANE Select); the canonical splice donor site of the intron after coding-DNA position 24765, T replaced by A.
Molecular consequence: splice donor variant.
Genome position (GRCh38, 1-based): chr2:151,493,351, A>T on the plus strand (T>A on the coding strand, the complement: NEB is on the minus strand). VCF-style: chr2-151493351-A-T. GRCh37 (hg19) VCF-style: chr2-152349865-A-T.
Other names: c.19197+2T>A (NM_004543.5); c.24765+2T>A (NM_001164507.2); c.24870+2T>A (NM_001271208.2).
Identifiers: ClinVar variation 1487969 (VCV001487969.8), dbSNP rs2152850167, ClinGen allele CA348774550.
Genomic context (GRCh38, chr2:151,493,351, plus strand): 5'-TATGATGTTAAAATGTTATTTTCCAAGTTGTTGCACTATTTCTTTTTAGTCCTAGAAAAT[A>T]CCGAGCTAATGTTTTCTTGGTTGCGCTTAGCTCTCTCCATCTCTGGAGTAACAGGTGTCG-3'